The following is an entry in ClinVar:

ClinVar aggregate classification (germline): Pathogenic (1 of 4 stars; one submission).

Conditions:
MECOM-associated syndrome. Identifiers: MedGen CN305607, MONDO:0100458.

Submission:

Wendy Chung Laboratory, Boston Children's Hospital
Classification: Pathogenic for MECOM-associated syndrome. Last evaluated: 2025-04-30. Review status: criteria provided, single submitter. Criteria: ACMG Guidelines, 2015. Collection method: research. Allele origin: de novo. Affected: yes. Observed: 1 variant allele.
Comment: NM_0004991.4:c.2504_2505del; p.(Lys835Thrfs*3) is a DNA 2-nucleotide deletion predicted to cause a frameshift at amino acid position 835, leading to nonsense-mediated decay (PVS1). The variant is absent from gnomAD v.4.1 (PM2_supporting) and occurred de novo (PS2).

NM_004991.4(MECOM):c.2504_2505del (p.Lys835fs)

Gene: MECOM (MDS1 and EVI1 complex locus; minus strand). Cytogenetic location: 3q26.2.
Variant type: Deletion.
Coding change: c.2504_2505del on transcript NM_004991.4 (MANE Select); coding-DNA positions 2504 to 2505, 2 bases deleted (AA; older notation c.2504_2505delAA).
Protein change: p.Lys835fs; shifts the reading frame from lysine 835.
Molecular consequence: frameshift variant.
Genome position (GRCh38, 1-based): chr3:169,112,859-169,112,860, TT deleted on the plus strand (AA on the coding strand, the reverse complement: MECOM is on the minus strand); deleting any 2 consecutive bases within chr3:169,112,859-169,112,862 gives the same sequence; the c. name uses the placement nearest the transcript's 3' end. VCF-style (leftmost placement, unchanged base first): chr3-169112858-GTT-G. GRCh37 (hg19) VCF-style: chr3-168830646-GTT-G.
Other names: c.2135_2136del, p.Lys712fs (NM_001105077.4); c.1940_1941del, p.Lys647fs (NM_001105078.4, NM_005241.4, NM_001164000.2 and 4 more transcripts); c.1943_1944del, p.Lys648fs (NM_001163999.2, NM_001366467.2, NM_001366468.2 and 1 more transcripts); c.968_969del, p.Lys323fs (NM_001366474.2); c.2504_2505del, p.Lys835fs (NM_001366466.2); c.1532_1533del, p.Lys511fs (NM_001366473.2); short protein forms K323fs, K511fs, K647fs, K648fs, K712fs, K835fs.
Identifiers: ClinVar variation 3900740 (VCV003900740.1).